The following is an entry in ClinVar:

ClinVar aggregate classification (germline): Conflicting classifications of pathogenicity. Review status: criteria provided, conflicting classifications (1 of 4 stars). 14 submissions from 14 submitters: Uncertain significance (10); Likely benign (2). 2 of the submissions do not count toward it. Last evaluated 2026-01-19.

Conditions:
Classic or attenuated familial adenomatous polyposis. Identifiers: MedGen CN372698, MONDO:0021057.
APC-related disorder. Also called: APC-related condition.
Hereditary cancer-predisposing syndrome. Also called: Hereditary neoplastic syndrome; Neoplastic Syndromes, Hereditary; Hereditary Cancer Syndrome; Tumor predisposition. Identifiers: Orphanet 140162, MedGen C0027672, MeSH D009386, MONDO:0015356.
Familial adenomatous polyposis 1 (FAP1). Also called: FAMILIAL ADENOMATOUS POLYPOSIS 1, ATTENUATED; POLYPOSIS, ADENOMATOUS INTESTINAL. Identifiers: MedGen C2713442, MONDO:0021056, OMIM 175100. Disease mechanism: loss of function.

gnomAD v4.1: 22 of 1,614,110 alleles (0.0014%); highest among the groups gnomAD compares: Admixed American, 0.0067%; 1 homozygote.

Submissions (14):

Labcorp Genetics (formerly Invitae), Labcorp
Classification: Uncertain significance for Familial adenomatous polyposis 1. Last evaluated: 2026-01-19. Review status: criteria provided, single submitter. Criteria: Invitae Variant Classification Sherloc (09022015). Collection method: clinical testing. Allele origin: germline.
Comment: This sequence change replaces lysine, which is basic and polar, with isoleucine, which is neutral and non-polar, at codon 1363 of the APC protein (p.Lys1363Ile). This variant is present in population databases (rs373607243, gnomAD 0.006%). This variant has not been reported in the literature in individuals affected with APC-related conditions. ClinVar contains an entry for this variant (Variation ID: 411471). Invitae Evidence Modeling of protein sequence and biophysical properties (such as structural, functional, and spatial information, amino acid conservation, physicochemical variation, residue mobility, and thermodynamic stability) indicates that this missense variant is not expected to disrupt APC protein function with a negative predictive value of 95%. In summary, the available evidence is currently insufficient to determine the role of this variant in disease. Therefore, it has been classified as a Variant of Uncertain Significance.

ARUP Laboratories, Molecular Genetics and Genomics, ARUP Laboratories
Classification: Uncertain significance. Last evaluated: 2025-05-15. Review status: criteria provided, single submitter. Criteria: ARUP Molecular Germline Variant Investigation Process 2024. Collection method: clinical testing. Allele origin: germline.
Comment: The APC c.4088A>T; p.Lys1363Ile variant (rs373607243, ClinVar Variation ID: 411471) is not reported in the literature in individuals with APC-related disorders, but has been reported in a heathy control (Azzopardi 2008). This variant is absent from the Genome Aggregation Database (v2.1.1), indicating it is not a common polymorphism. Computational analyses are uncertain whether this variant is neutral or deleterious (REVEL: 0.441). Due to limited information, the clinical significance of this variant is uncertain at this time. References: Azzopardi D et al. Multiple rare nonsynonymous variants in the adenomatous polyposis coli gene predispose to colorectal adenomas. Cancer Res. 2008 Jan 15;68(2):358-63. PMID: 18199528.

Molecular Pathology, Peter Maccallum Cancer Centre
Classification: Likely benign for Familial adenomatous polyposis 1. Last evaluated: 2025-02-27. Review status: criteria provided, single submitter. Criteria: ACMG Guidelines, 2015. Collection method: clinical testing. Allele origin: germline. Inheritance: Autosomal dominant inheritance.

Ambry Genetics
Classification: Likely benign for Hereditary cancer-predisposing syndrome. Last evaluated: 2024-10-05. Review status: criteria provided, single submitter. Criteria: Ambry Variant Classification Scheme 2023. Collection method: clinical testing. Allele origin: germline.

Blueprint Genetics
Classification: Uncertain significance. Last evaluated: 2024-09-11. Review status: criteria provided, single submitter. Criteria: ACMG Guidelines, 2015. Collection method: clinical testing. Allele origin: germline.

All of Us Research Program, National Institutes of Health
Classification: Uncertain significance for Classic or attenuated familial adenomatous polyposis. Last evaluated: 2024-05-14. Review status: criteria provided, single submitter. Criteria: ACMG Guidelines, 2015. Collection method: clinical testing. Allele origin: germline. Inheritance: Autosomal dominant inheritance. Observed: 1 variant allele, 1 heterozygote.
Comment: This missense variant replaces lysine with isoleucine at codon 1363 of the APC protein. Computational prediction suggests that this variant may not impact protein structure and function (internally defined REVEL score threshold <= 0.5, PMID: 27666373). To our knowledge, functional studies have not been reported for this variant. This variant has not been reported in individuals affected with APC-related disorders in the literature, and in a case-control study of familial adenomatous polyposis it was observed in 0/691 cases and 1/979 controls (PMID: 18199528). This variant has not been identified in the general population by the Genome Aggregation Database (gnomAD). The available evidence is insufficient to determine the role of this variant in disease conclusively. Therefore, this variant is classified as a Variant of Uncertain Significance.

This study involves interpretation of variants in research participants for the purpose of population health screening. Participant phenotype was not available at the time of variant classification. Additional details can be found in publication PMID: 35346344, PMCID: PMC8962531

Color Diagnostics, LLC DBA Color Health
Classification: Uncertain significance for Hereditary cancer-predisposing syndrome. Last evaluated: 2024-04-24. Review status: criteria provided, single submitter. Criteria: ACMG Guidelines, 2015. Collection method: clinical testing. Allele origin: germline.
Comment: This missense variant replaces lysine with isoleucine at codon 1363 of the APC protein. Computational prediction suggests that this variant may not impact protein structure and function (internally defined REVEL score threshold <= 0.5, PMID: 27666373). To our knowledge, functional studies have not been reported for this variant. This variant has not been reported in individuals affected with APC-related disorders in the literature, and in a case-control study of familial adenomatous polyposis it was observed in 0/691 cases and 1/979 controls (PMID: 18199528). This variant has not been identified in the general population by the Genome Aggregation Database (gnomAD). The available evidence is insufficient to determine the role of this variant in disease conclusively. Therefore, this variant is classified as a Variant of Uncertain Significance.

Baylor Genetics
Classification: Uncertain significance for Familial adenomatous polyposis 1. Last evaluated: 2023-09-05. Review status: criteria provided, single submitter. Criteria: ACMG Guidelines, 2015. Collection method: clinical testing. Allele origin: unknown.

Myriad Genetics, Inc.
Classification: Uncertain significance for Familial adenomatous polyposis 1. Last evaluated: 2023-02-14. Review status: criteria provided, single submitter. Criteria: Myriad Autosomal Dominant, Autosomal Recessive and X-Linked Classification Criteria (2023). Collection method: clinical testing. Allele origin: unknown.
Comment: This variant is classified as a variant of uncertain significance as there is insufficient evidence to determine its impact on protein function and/or cancer risk.

Quest Diagnostics Nichols Institute San Juan Capistrano
Classification: Uncertain significance. Last evaluated: 2021-09-01. Review status: criteria provided, single submitter. Criteria: Quest Diagnostics criteria. Collection method: clinical testing. Allele origin: unknown.

Sema4
Classification: Uncertain significance for Hereditary cancer-predisposing syndrome. Last evaluated: 2021-04-12. Review status: criteria provided, single submitter. Criteria: Sema4 Curation Guidelines. Collection method: curation. Allele origin: germline.
Comment: To the best of our knowledge, the APC c.4088A>T (p.K1363I) variant has not been reported in individuals with familial adenomatous polyposis (FAP). It has been reported in two individuals with uterine cancer, one with polycythemia vera, and one with advanced cancer (27449473, 28873162, 29684080) as well as a healthy control population (PMID: 18199528). It was not observed in the large and broad cohorts of the Genome Aggregation Database (PMID: 32461654). This variant has been reported in ClinVar (Variation ID: 411471). In silico tools suggest the impact of the variant on protein function is inconclusive, though these predictions have not been confirmed by functional studies. Based on the current evidence available, this variant is interpreted as a variant of uncertain significance.

GeneDx
Classification: Uncertain significance. Last evaluated: 2015-01-27. Review status: criteria provided, single submitter. Criteria: GeneDx Variant Classification (06012015). Collection method: clinical testing. Allele origin: germline. Affected: yes.
Comment: This variant is denoted APC c.4088A>T at the cDNA level, p.Lys1363Ile (K1363I) at the protein level, and results in the change of a Lysine to an Isoleucine (AAA>ATA). This variant has not, to our knowledge, been published in the literature as pathogenic or benign. APC Lys1363Ile was not observed in approximately 6,500 individuals of European and African American ancestry in the NHLBI Exome Sequencing Project, indicating it is not a common benign variant in these populations. Since Lysine and Isoleucine differ in polarity, charge, size or other properties, this is considered a non-conservative amino acid substitution. APC Lys1363Ile occurs at a position that is highly conserved across species and is located within the beta-catenin down-regulating domain (Azzopardi 2008). In silico analyses predict that this variant is probably damaging to protein structure and function. Based on currently available information, it is unclear whether APC Lys1363Ile is pathogenic or benign. We consider it to be a variant of uncertain significance.

PreventionGenetics, part of Exact Sciences
Classification: Uncertain significance for APC-related condition. Last evaluated: 2024-06-13. Review status: no assertion criteria provided. Collection method: clinical testing. Allele origin: germline. Not counted in ClinVar's aggregate classification.
Comment: The APC c.4088A>T variant is predicted to result in the amino acid substitution p.Lys1363Ile. To our knowledge, this variant has not been reported to be associated with disease in the literature nor is it present in a large population database, indicating this variant is rare. In one study, this variant was detected in a healthy control subject (Azzopardi et al. 2008. PubMed ID: 18199528). In ClinVar, this variant is classified as a variant of uncertain significance by several laboratories. At this time, the clinical significance of this variant is uncertain due to the absence of conclusive functional and genetic evidence.

Counsyl
Classification: Uncertain significance for Familial adenomatous polyposis 1. Last evaluated: 2017-08-23. Review status: no assertion criteria provided. Collection method: clinical testing. Allele origin: unknown. Not counted in ClinVar's aggregate classification.

Literature cited by the submitters: PubMed 18199528 (cited by 5 submitters); PubMed 29684080 (cited by Ambry Genetics); PubMed 27449473 (cited by Quest Diagnostics Nichols Institute San Juan Capistrano).

NM_000038.6(APC):c.4088A>T (p.Lys1363Ile)

Gene: APC (APC regulator of Wnt signaling pathway; plus strand). Cytogenetic location: 5q22.2.
Variant type: single nucleotide variant.
Coding change: c.4088A>T on transcript NM_000038.6 (MANE Select); coding-DNA position 4088, A replaced by T.
Protein change: p.Lys1363Ile; replaces lysine 1363 with isoleucine.
Molecular consequence: missense variant.
Genome position (GRCh38, 1-based): chr5:112,839,682, A>T. VCF-style: chr5-112839682-A-T. GRCh37 (hg19) VCF-style: chr5-112175379-A-T.
Other names: c.4088A>T, p.Lys1363Ile (NM_001127510.3, NM_001354895.2); c.4034A>T, p.Lys1345Ile (NM_001127511.3); c.4142A>T, p.Lys1381Ile (NM_001354896.2); c.4118A>T, p.Lys1373Ile (NM_001354897.2); c.4013A>T, p.Lys1338Ile (NM_001354898.2); c.4004A>T, p.Lys1335Ile (NM_001354899.2); c.3965A>T, p.Lys1322Ile (NM_001354900.2); c.3911A>T, p.Lys1304Ile (NM_001354901.2); and 5 more; short protein forms K1363I, K1345I, K1203I, K1262I, K1272I, K1335I, K1237I, K1381I.
Identifiers: ClinVar variation 411471 (VCV000411471.33), dbSNP rs373607243, ClinGen allele CA037626.